The following is an entry in ClinVar:

ClinVar aggregate classification (germline): Uncertain significance (1 of 4 stars; one submission).

Submission:

Labcorp Genetics (formerly Invitae), Labcorp
Classification: Uncertain significance. Last evaluated: 2022-05-21. Review status: criteria provided, single submitter. Criteria: Invitae Variant Classification Sherloc (09022015). Collection method: clinical testing. Allele origin: germline.
Comment: In summary, the available evidence is currently insufficient to determine the role of this variant in disease. Therefore, it has been classified as a Variant of Uncertain Significance. Algorithms developed to predict the effect of missense changes on protein structure and function are either unavailable or do not agree on the potential impact of this missense change (SIFT: "Deleterious"; PolyPhen-2: "Possibly Damaging"; Align-GVGD: "Class C0"). This variant has not been reported in the literature in individuals affected with VCAN-related conditions. This variant is not present in population databases (gnomAD no frequency). This sequence change replaces aspartic acid, which is acidic and polar, with asparagine, which is neutral and polar, at codon 77 of the VCAN protein (p.Asp77Asn).

NM_004385.5(VCAN):c.229G>A (p.Asp77Asn)

Gene: VCAN (versican; plus strand). Cytogenetic location: 5q14.2.
Variant type: single nucleotide variant.
Coding change: c.229G>A on transcript NM_004385.5 (MANE Select); coding-DNA position 229, G replaced by A.
Protein change: p.Asp77Asn; replaces aspartic acid 77 with asparagine.
Molecular consequence: missense variant.
Genome position (GRCh38, 1-based): chr5:83,490,256, G>A. VCF-style: chr5-83490256-G-A. GRCh37 (hg19) VCF-style: chr5-82786075-G-A.
Other names: c.229G>A, p.Asp77Asn (NM_001126336.3, NM_001164097.2, NM_001164098.2); short protein forms D77N.
Identifiers: ClinVar variation 1365862 (VCV001365862.6), dbSNP rs2112353375, ClinGen allele CA360295348.
Genomic context (GRCh38, chr5:83,490,256, plus strand): 5'-AACACCAGTGAATTTCTCCGCATCAAATGGTCTAAGATTGAAGTGGACAAAAATGGAAAA[G>A]ATTTGAAAGAGACTACTGTCCTTGTGGCCCAAAATGGAAATATCAAGATTGGTCAGGACT-3'
Protein context (NP_004376.2, residues 67-87): SKIEVDKNGK[Asp77Asn]LKETTVLVAQ